The following is an entry in ClinVar:

ClinVar aggregate classification (germline): Pathogenic. Review status: criteria provided, single submitter (1 of 4 stars). 2 submissions from 2 submitters: Pathogenic (1). 1 of the submissions does not count toward it. Last evaluated 2022-03-25.

Conditions:
Coffin-Siris syndrome 1 (CSS1). Also called: Mental retardation, autosomal dominant 12; ARID1B-Related Coffin-Siris Syndrome. Identifiers: Orphanet 1465, MedGen C3281201, MONDO:0007617, OMIM 135900. Disease mechanism: gain of function.

Submissions (2):

GeneDx
Classification: Pathogenic. Last evaluated: 2022-03-25. Review status: criteria provided, single submitter. Criteria: GeneDx Variant Classification Process June 2021. Collection method: clinical testing. Allele origin: germline. Affected: yes.
Comment: Nonsense variant in the C-terminus predicted to result in protein truncation, as the last 74 amino acids are lost, and other loss-of-function variants have been reported downstream in HGMD; Not observed at significant frequency in large population cohorts (gnomAD); Has not been previously published as pathogenic or benign to our knowledge

Molecular Genetics Laboratory, BC Children's and BC Women's Hospitals
Classification: Likely pathogenic for Coffin-Siris syndrome 1. Last evaluated: 2016-05-25. Review status: no assertion criteria provided. Criteria: ACMG Guidelines, 2015. Collection method: clinical testing. Allele origin: de novo. Affected: yes. Not counted in ClinVar's aggregate classification.

NM_001374828.1(ARID1B):c.6895C>T (p.Gln2299Ter)

Gene: ARID1B (AT-rich interaction domain 1B; plus strand). Cytogenetic location: 6q25.3.
Variant type: single nucleotide variant.
Coding change: c.6895C>T on transcript NM_001374828.1 (MANE Select); coding-DNA position 6895, C replaced by T.
Protein change: p.Gln2299Ter; replaces glutamine 2299 with a stop codon.
Molecular consequence: nonsense.
Genome position (GRCh38, 1-based): chr6:157,207,667, C>T. VCF-style: chr6-157207667-C-T. GRCh37 (hg19) VCF-style: chr6-157528801-C-T.
Other names: c.6526C>T, p.Gln2176Ter (NM_020732.3); c.4396C>T, p.Gln1466Ter (NM_001363725.2); c.6775C>T, p.Gln2259Ter (NM_001371656.1, NM_001374820.1); c.6736C>T, p.Gln2246Ter (NM_017519.3); short protein forms Q2176*, Q1466*, Q2246*, Q2259*, Q2299*.
Identifiers: ClinVar variation 438283 (VCV000438283.2), dbSNP rs758120346, ClinGen allele CA366249299.